The following is an entry in ClinVar:

ClinVar aggregate classification (germline): Benign/Likely benign. Review status: criteria provided, multiple submitters, no conflicts (2 of 4 stars). 2 submissions from 2 submitters: Benign (1); Likely benign (1). Last evaluated 2024-09-01.

Allele frequency attached by ClinVar (database versions not stated): 1000 Genomes Project 30x 0.00156; 1000 Genomes Project 0.00160; TOPMed 0.00346; ESP Exome Variant Server 0.00454; gnomAD 0.00484 and 0.00500.
gnomAD v4.1: 8,480 of 1,613,064 alleles (0.53%); highest among the groups gnomAD compares: Non-Finnish European, 0.6%; 41 homozygotes.

Submissions (2):

CeGaT Center for Human Genetics Tuebingen
Classification: Likely benign. Last evaluated: 2024-09-01. Review status: criteria provided, single submitter. Criteria: CeGaT Center For Human Genetics Tuebingen Variant Classification Criteria Version 2. Collection method: clinical testing. Allele origin: germline. Affected: yes. Observed: 1 variant allele.
Comment: IL1RL1: BP4, BS2

Labcorp Genetics (formerly Invitae), Labcorp
Classification: Benign. Last evaluated: 2018-07-16. Review status: criteria provided, single submitter. Criteria: Invitae Variant Classification Sherloc (09022015). Collection method: clinical testing. Allele origin: germline.

NM_016232.5(IL33R):c.1187G>A (p.Arg396His)

Gene: IL33R (interleukin 33 receptor; plus strand). Cytogenetic location: 2q12.1.
Variant type: single nucleotide variant.
Coding change: c.1187G>A on transcript NM_016232.5 (MANE Select); coding-DNA position 1187, G replaced by A.
Protein change: p.Arg396His; replaces arginine 396 with histidine.
Molecular consequence: missense variant.
Genome position (GRCh38, 1-based): chr2:102,349,148, G>A. VCF-style: chr2-102349148-G-A. GRCh37 (hg19) VCF-style: chr2-102965608-G-A.
Other names: short protein forms R396H.
Identifiers: ClinVar variation 767811 (VCV000767811.17), dbSNP rs138892317, ClinGen allele CA1809602.